The following is an entry in ClinVar:

NM_004612.4(TGFBR1):c.343+1G>C

Gene: TGFBR1 (transforming growth factor beta receptor 1; plus strand). Cytogenetic location: 9q22.33.
Variant type: single nucleotide variant.
Coding change: c.343+1G>C on transcript NM_004612.4 (MANE Select); the canonical splice donor site of the intron after coding-DNA position 343, G replaced by C.
Molecular consequence: splice donor variant. On other transcripts: intron variant (3).
Genome position (GRCh38, 1-based): chr9:99,129,101, G>C. VCF-style: chr9-99129101-G-C. GRCh37 (hg19) VCF-style: chr9-101891383-G-C.
Other names: c.136+1G>C (NM_001407419.1, NM_001407433.1, NM_001407422.1 and 12 more transcripts); c.343+1G>C (NM_001306210.2, NM_001407416.1, NM_001407417.1 and 2 more transcripts); c.98-3408G>C (NM_001407436.1); c.98-8758G>C (NM_001407438.1); c.98-13435G>C (NM_001407437.1).
Identifiers: ClinVar variation 3377168 (VCV003377168.2).

ClinVar aggregate classification (germline): Conflicting classifications of pathogenicity. Review status: criteria provided, conflicting classifications (1 of 4 stars). 2 submissions from 2 submitters: Likely pathogenic (1); Uncertain significance (1). Last evaluated 2024-10-10.

Conditions:
Loeys-Dietz syndrome 1 (LDS1). Also called: FURLONG SYNDROME; AORTIC ANEURYSM, FAMILIAL THORACIC 5; TGFBR1-Related Loeys-Dietz Syndrome. Identifiers: Orphanet 60030, MedGen C4551955, MONDO:0012212, OMIM 609192.

gnomAD v4.1: 1 of 1,613,622 alleles (0.000062%); highest among the groups gnomAD compares: Non-Finnish European, 0.000085%; no homozygotes.

Submissions (2):

Victorian Clinical Genetics Services, Murdoch Childrens Research Institute
Classification: Uncertain significance for Loeys-Dietz syndrome 1. Last evaluated: 2024-10-10. Review status: criteria provided, single submitter. Criteria: ACMG Guidelines, 2015. Collection method: clinical testing. Allele origin: germline. Inheritance: Autosomal dominant inheritance. Affected: yes.
Comment: Based on the classification scheme VCGS_Germline_v1.3.5, this variant is classified as VUS-3A. Following criteria are met: 0103 - Dominant negative and loss of function are known mechanisms of disease in this gene and are associated with multiple self-healing squamous epithelioma (MIM#132800). Missense and splice variants with a suspected dominant negative mechanism of disease have been associated with Loeys–Dietz syndrome (MIM#609192) (PMIDs: 29706644, 33693090). (I) 0107 - This gene is associated with autosomal dominant disease. (I) 0211 - Canonical splice site variant without proven consequence on splicing (no functional evidence available). (SP) 0251 - This variant is heterozygous. (I) 0302 - Variant is present in gnomAD (v4) <0.001 for a dominant condition (1 heterozygote, 0 homozygotes). (SP) 0311 - An alternative nucleotide change at the same canonical splice site, is present in gnomAD (v4: 1 heterozygote, 0 homozygotes). (I) 0505 - Abnormal splicing is predicted by in silico tools and affected nucleotide is highly conserved. (SP) 0704 - Another canonical splice variant comparable to the one identified in this case has limited previous evidence for pathogenicity. c.343+1G>A has been classified as likely pathogenic by a clinical laboratory in ClinVar. (SP) 0807 - This variant has no previous evidence of pathogenicity. (I) 0905 - No published segregation evidence has been identified for this variant. (I) 1007 - No published functional evidence has been identified for this variant. (I) 1208 - Inheritance information for this variant is not currently available in this individual. (I) Legend: (SP) - Supporting pathogenic, (I) - Information, (SB) - Supporting benign

3billion
Classification: Likely pathogenic for Loeys-Dietz syndrome 1. Last evaluated: 2024-08-12. Review status: criteria provided, single submitter. Criteria: ACMG Guidelines, 2015. Collection method: clinical testing. Allele origin: germline. Affected: yes.
Comment: The variant is observed at an extremely low frequency in the gnomAD v4.0.0 dataset (total allele frequency: <0.001%). Predicted Consequence/Location: Canonical splice site: predicted to alter splicing and result in a loss or disruption of normal protein function. Multiple pathogenic loss-of-function variants are reported downstream of the variant. In silico tools predict the variant to alter splicing and produce an abnormal transcript [SpliceAI: 0.97 (spliceogenicity >=0.2, non-spliceogenicity <0.1)]. Therefore, this variant is classified as Likely pathogenic according to the recommendation of ACMG/AMP guideline.

Literature cited by the submitters: PubMed 29706644 (cited by Victorian Clinical Genetics Services, Murdoch Childrens Research Institute); PubMed 33693090 (cited by Victorian Clinical Genetics Services, Murdoch Childrens Research Institute).